The following is an entry in ClinVar:

NM_018163.3(DNAJC17):c.618C>A (p.Asn206Lys)

Gene: DNAJC17 (DnaJ heat shock protein family (Hsp40) member C17; minus strand). Cytogenetic location: 15q15.1.
Variant type: single nucleotide variant.
Coding change: c.618C>A on transcript NM_018163.3 (MANE Select); coding-DNA position 618, C replaced by A.
Protein change: p.Asn206Lys; replaces asparagine 206 with lysine.
Molecular consequence: missense variant.
Genome position (GRCh38, 1-based): chr15:40,774,419, G>T on the plus strand (C>A on the coding strand, the complement: DNAJC17 is on the minus strand). VCF-style: chr15-40774419-G-T. GRCh37 (hg19) VCF-style: chr15-41066617-G-T.
Other names: short protein forms N206K.
Identifiers: ClinVar variation 2902980 (VCV002902980.3), dbSNP rs1047029408, ClinGen allele CA268855560.

ClinVar aggregate classification (germline): Uncertain significance (1 of 4 stars; one submission).

Allele frequency attached by ClinVar (database versions not stated): TOPMed below 0.00001.
gnomAD v4.1: 5 of 1,614,048 alleles (0.00031%); no homozygotes.

Submission:

Labcorp Genetics (formerly Invitae), Labcorp
Classification: Uncertain significance. Last evaluated: 2026-01-07. Review status: criteria provided, single submitter. Criteria: Invitae Variant Classification Sherloc (09022015). Collection method: clinical testing. Allele origin: germline.
Comment: This sequence change replaces asparagine, which is neutral and polar, with lysine, which is basic and polar, at codon 206 of the DNAJC17 protein (p.Asn206Lys). This variant is not present in population databases (gnomAD no frequency). This variant has not been reported in the literature in individuals affected with DNAJC17-related conditions. ClinVar contains an entry for this variant (Variation ID: 2902980). An algorithm developed to predict the effect of missense changes on protein structure and function (PolyPhen-2) suggests that this variant is likely to be disruptive. In summary, the available evidence is currently insufficient to determine the role of this variant in disease. Therefore, it has been classified as a Variant of Uncertain Significance.